The following is an entry in ClinVar:

ClinVar aggregate classification (germline): Uncertain significance (1 of 4 stars; one submission).

Conditions:
Adams-Oliver syndrome 5 (AOS5). Identifiers: Orphanet 974, MedGen C4014970, MONDO:0014459, OMIM 616028.

Submission:

Labcorp Genetics (formerly Invitae), Labcorp
Classification: Uncertain significance for Adams-Oliver syndrome 5. Last evaluated: 2024-12-04. Review status: criteria provided, single submitter. Criteria: Invitae Variant Classification Sherloc (09022015). Collection method: clinical testing. Allele origin: germline.
Comment: This sequence change replaces lysine, which is basic and polar, with arginine, which is basic and polar, at codon 428 of the NOTCH1 protein (p.Lys428Arg). This variant is not present in population databases (gnomAD no frequency). This variant has not been reported in the literature in individuals affected with NOTCH1-related conditions. Invitae Evidence Modeling of protein sequence and biophysical properties (such as structural, functional, and spatial information, amino acid conservation, physicochemical variation, residue mobility, and thermodynamic stability) indicates that this missense variant is not expected to disrupt NOTCH1 protein function with a negative predictive value of 95%. In summary, the available evidence is currently insufficient to determine the role of this variant in disease. Therefore, it has been classified as a Variant of Uncertain Significance.

NM_017617.5(NOTCH1):c.1283A>G (p.Lys428Arg)

Gene: NOTCH1 (notch receptor 1; minus strand). Cytogenetic location: 9q34.3.
Variant type: single nucleotide variant.
Coding change: c.1283A>G on transcript NM_017617.5 (MANE Select); coding-DNA position 1283, A replaced by G.
Protein change: p.Lys428Arg; replaces lysine 428 with arginine.
Molecular consequence: missense variant.
Genome position (GRCh38, 1-based): chr9:136,517,910, T>C on the plus strand (A>G on the coding strand, the complement: NOTCH1 is on the minus strand). VCF-style: chr9-136517910-T-C. GRCh37 (hg19) VCF-style: chr9-139412362-T-C.
Other names: short protein forms K428R.
Identifiers: ClinVar variation 3635973 (VCV003635973.2).